The following is an entry in ClinVar:

ClinVar aggregate classification (germline): Uncertain significance. Review status: criteria provided, multiple submitters, no conflicts (2 of 4 stars). 2 submissions from 2 submitters: Uncertain significance (2). Last evaluated 2026-06-15.

Conditions:
Cardiomyopathy (CMYO). Also called: Cardiomyopathies. Identifiers: Orphanet 167848, MedGen C0878544, MONDO:0004994, HP:0001638. Inheritance: Various modes of inheritance.
Cardiovascular phenotype. Identifiers: MedGen CN230736.

gnomAD v4.1: 2 of 1,612,722 alleles (0.00012%); highest among the groups gnomAD compares: Admixed American, 0.0017%; no homozygotes.

Submissions (2):

Ambry Genetics
Classification: Uncertain significance for Cardiovascular phenotype. Last evaluated: 2026-06-15. Review status: criteria provided, single submitter. Criteria: Ambry Variant Classification Scheme 2023. Collection method: clinical testing. Allele origin: germline.
Comment: The c.3245+4C>T intronic variant results from a C to T substitution 4 nucleotides after coding exon 23 in the MYH7 gene. This nucleotide position is not well conserved in available vertebrate species. In silico splice site analysis predicts that this alteration will not have any significant effect on splicing. Based on the available evidence, the clinical significance of this variant remains unclear.

Color Diagnostics, LLC DBA Color Health
Classification: Uncertain significance for Cardiomyopathy. Last evaluated: 2024-10-07. Review status: criteria provided, single submitter. Criteria: ACMG Guidelines, 2015. Collection method: clinical testing. Allele origin: germline.
Comment: This variant causes a C to T nucleotide substitution at the +4 position of intron 25 of the MYH7 gene. To our knowledge, functional studies have not been reported for this variant. This variant has not been reported in individuals affected with MYH7-related disorders in the literature. This variant has been identified in 1/251396 chromosomes in the general population by the Genome Aggregation Database (gnomAD). The available evidence is insufficient to determine the role of this variant in disease conclusively. Therefore, this variant is classified as a Variant of Uncertain Significance.

NM_000257.4(MYH7):c.3245+4C>T

Gene: MYH7 (myosin heavy chain 7; minus strand). Cytogenetic location: 14q11.2.
Variant type: single nucleotide variant.
Coding change: c.3245+4C>T on transcript NM_000257.4 (MANE Select); 4 bases into the intron after coding-DNA position 3245, C replaced by T.
Molecular consequence: intron variant.
Genome position (GRCh38, 1-based): chr14:23,422,176, G>A on the plus strand (C>T on the coding strand, the complement: MYH7 is on the minus strand). VCF-style: chr14-23422176-G-A. GRCh37 (hg19) VCF-style: chr14-23891385-G-A.
Other names: c.3245+4C>T (NM_001407004.1).
Identifiers: ClinVar variation 3894077 (VCV003894077.2).